The following is an entry in ClinVar:

ClinVar aggregate classification (germline): Uncertain significance (1 of 4 stars; one submission).

Submission:

Labcorp Genetics (formerly Invitae), Labcorp
Classification: Uncertain significance. Last evaluated: 2025-10-04. Review status: criteria provided, single submitter. Criteria: Invitae Variant Classification Sherloc (09022015). Collection method: clinical testing. Allele origin: germline.
Comment: This sequence change replaces valine, which is neutral and non-polar, with alanine, which is neutral and non-polar, at codon 435 of the RHOBTB2 protein (p.Val435Ala). This variant is not present in population databases (gnomAD no frequency). This variant has not been reported in the literature in individuals affected with RHOBTB2-related conditions. Invitae Evidence Modeling of protein sequence and biophysical properties (such as structural, functional, and spatial information, amino acid conservation, physicochemical variation, residue mobility, and thermodynamic stability) indicates that this missense variant is not expected to disrupt RHOBTB2 protein function with a negative predictive value of 80%. In summary, the available evidence is currently insufficient to determine the role of this variant in disease. Therefore, it has been classified as a Variant of Uncertain Significance.

NM_015178.3(RHOBTB2):c.1238T>C (p.Val413Ala)

Gene: RHOBTB2 (Rho related BTB domain containing 2; plus strand). Cytogenetic location: 8p21.3.
Variant type: single nucleotide variant.
Coding change: c.1238T>C on transcript NM_015178.3 (MANE Select); coding-DNA position 1238, T replaced by C.
Protein change: p.Val413Ala; replaces valine 413 with alanine.
Molecular consequence: missense variant.
Genome position (GRCh38, 1-based): chr8:23,007,483, T>C. VCF-style: chr8-23007483-T-C. GRCh37 (hg19) VCF-style: chr8-22864996-T-C.
Other names: c.1304T>C, p.Val435Ala (NM_001160036.2); c.1259T>C, p.Val420Ala (NM_001160037.2); c.1238T>C, p.Val413Ala (NM_001374791.1); short protein forms V413A, V420A, V435A.
Identifiers: ClinVar variation 4746596 (VCV004746596.1).